The following is an entry in ClinVar:

NM_006662.3(SRCAP):c.6635T>C (p.Met2212Thr)

Gene: SRCAP (Snf2 related CREBBP activator protein; plus strand). Cytogenetic location: 16p11.2.
Variant type: single nucleotide variant.
Coding change: c.6635T>C on transcript NM_006662.3 (MANE Select); coding-DNA position 6635, T replaced by C.
Protein change: p.Met2212Thr; replaces methionine 2212 with threonine.
Molecular consequence: missense variant.
Genome position (GRCh38, 1-based): chr16:30,734,521, T>C. VCF-style: chr16-30734521-T-C. GRCh37 (hg19) VCF-style: chr16-30745842-T-C.
Other names: short protein forms M2212T.
Identifiers: ClinVar variation 2998053 (VCV002998053.5), dbSNP rs761392990, ClinGen allele CA8012293.

ClinVar aggregate classification (germline): Uncertain significance. Review status: criteria provided, multiple submitters, no conflicts (2 of 4 stars). 3 submissions from 3 submitters: Uncertain significance (3). Last evaluated 2026-05-12.

Conditions:
Developmental delay, hypotonia, musculoskeletal defects, and behavioral abnormalities. Identifiers: MedGen C5562012, MONDO:0859202, OMIM 619595.
Floating-Harbor syndrome (FLHS). Also called: SRCAP-Related Floating-Harbor Syndrome; Short stature with delayed bone age, expressive language delay, a triangular face with a prominent nose and deep-set eyes; Pelletier-Leisti syndrome. Identifiers: Orphanet 2044, MedGen C0729582, MONDO:0007621, OMIM 136140.

Allele frequency attached by ClinVar (database versions not stated): ExAC 0.00001; gnomAD exomes 0.00001; gnomAD 0.00002; TOPMed 0.00002.

Submissions (3):

Women's Health and Genetics/Laboratory Corporation of America, LabCorp
Classification: Uncertain significance. Last evaluated: 2026-05-12. Review status: criteria provided, single submitter. Criteria: LabCorp Variant Classification Summary - May 2015. Collection method: clinical testing. Allele origin: germline.

Labcorp Genetics (formerly Invitae), Labcorp
Classification: Uncertain significance. Last evaluated: 2024-04-03. Review status: criteria provided, single submitter. Criteria: Invitae Variant Classification Sherloc (09022015). Collection method: clinical testing. Allele origin: germline.
Comment: This sequence change replaces methionine, which is neutral and non-polar, with threonine, which is neutral and polar, at codon 2212 of the SRCAP protein (p.Met2212Thr). This variant is present in population databases (rs761392990, gnomAD 0.007%). This variant has not been reported in the literature in individuals affected with SRCAP-related conditions. Advanced modeling of protein sequence and biophysical properties (such as structural, functional, and spatial information, amino acid conservation, physicochemical variation, residue mobility, and thermodynamic stability) performed at Invitae indicates that this missense variant is not expected to disrupt SRCAP protein function with a negative predictive value of 80%. In summary, the available evidence is currently insufficient to determine the role of this variant in disease. Therefore, it has been classified as a Variant of Uncertain Significance.

Fulgent Genetics
Classification: Uncertain significance for Floating-Harbor syndrome; Developmental delay, hypotonia, musculoskeletal defects, and behavioral abnormalities. Last evaluated: 2023-12-24. Review status: criteria provided, single submitter. Criteria: ACMG Guidelines, 2015. Collection method: clinical testing. Allele origin: germline.